The following is an entry in ClinVar:

NM_012418.4(FSCN2):c.416C>T (p.Pro139Leu)

Gene: FSCN2 (fascin actin-bundling protein 2, retinal; plus strand). Cytogenetic location: 17q25.3.
Variant type: single nucleotide variant.
Coding change: c.416C>T on transcript NM_012418.4 (MANE Select); coding-DNA position 416, C replaced by T.
Protein change: p.Pro139Leu; replaces proline 139 with leucine.
Molecular consequence: missense variant.
Genome position (GRCh38, 1-based): chr17:81,528,947, C>T. VCF-style: chr17-81528947-C-T. GRCh37 (hg19) VCF-style: chr17-79495973-C-T.
Other names: c.416C>T, p.Pro139Leu (NM_001077182.3); short protein forms P139L.
Identifiers: ClinVar variation 2085305 (VCV002085305.4), dbSNP rs369192058, ClinGen allele CA8836670.
Genomic context (GRCh38, chr17:81,528,947, plus strand): 5'-CCTGCTTCGCCACAGCCGTTTCCCCGGCCGAGCTGTGGACCGTGCACCTGGCCATCCACC[C>T]GCAGGCCCACCTGCTGAGCGTGAGCCGGCGGCGCTACGTGCACCTGTGCCCGCGGGAGGA-3'
Protein context (NP_036550.1, residues 129-149): ELWTVHLAIH[Pro139Leu]QAHLLSVSRR

ClinVar aggregate classification (germline): Uncertain significance (1 of 4 stars; one submission).

Allele frequency attached by ClinVar (database versions not stated): gnomAD 0.00001; TOPMed 0.00001; gnomAD exomes 0.00004; ESP Exome Variant Server 0.00008; ExAC 0.00009.
gnomAD v4.1: 52 of 1,590,138 alleles (0.0033%); highest among the groups gnomAD compares: Admixed American, 0.012%; no homozygotes.

Submission:

Labcorp Genetics (formerly Invitae), Labcorp
Classification: Uncertain significance. Last evaluated: 2024-04-14. Review status: criteria provided, single submitter. Criteria: Invitae Variant Classification Sherloc (09022015). Collection method: clinical testing. Allele origin: germline.
Comment: This sequence change replaces proline, which is neutral and non-polar, with leucine, which is neutral and non-polar, at codon 139 of the FSCN2 protein (p.Pro139Leu). The frequency data for this variant in the population databases is considered unreliable, as metrics indicate poor data quality at this position in the gnomAD database. This variant has not been reported in the literature in individuals affected with FSCN2-related conditions. ClinVar contains an entry for this variant (Variation ID: 2085305). An algorithm developed to predict the effect of missense changes on protein structure and function (PolyPhen-2) suggests that this variant is likely to be disruptive. In summary, the available evidence is currently insufficient to determine the role of this variant in disease. Therefore, it has been classified as a Variant of Uncertain Significance.